The following is an entry in ClinVar:

ClinVar aggregate classification (germline): Benign. Review status: criteria provided, multiple submitters, no conflicts (2 of 4 stars). 7 submissions from 6 submitters: Benign (7). Last evaluated 2025-09-06.

Conditions:
Autosomal dominant nonsyndromic hearing loss 20. Identifiers: Orphanet 90635, MedGen C1858172, MONDO:0011480, OMIM 604717.
Baraitser-winter syndrome 2. Identifiers: Orphanet 2995, MedGen C3281235, MONDO:0013812, OMIM 614583.

Allele frequency attached by ClinVar (database versions not stated): TOPMed 0.00002; gnomAD 0.00003; ExAC 0.00133; 1000 Genomes Project 0.00240; 1000 Genomes Project 30x 0.00250.

Submissions (7):

Labcorp Genetics (formerly Invitae), Labcorp
Classification: Benign for Baraitser-winter syndrome 2; Autosomal dominant nonsyndromic hearing loss 20. Last evaluated: 2025-09-06. Review status: criteria provided, single submitter. Criteria: Invitae Variant Classification Sherloc (09022015). Collection method: clinical testing. Allele origin: germline.

CeGaT Center for Human Genetics Tuebingen
Classification: Benign. Last evaluated: 2024-12-01. Review status: criteria provided, single submitter. Criteria: CeGaT Center For Human Genetics Tuebingen Variant Classification Criteria Version 2. Collection method: clinical testing. Allele origin: germline. Affected: yes. Observed: 3 variant alleles.
Comment: ACTG1: BP4, BP7, BS1, BS2

Genome-Nilou Lab
Classification: Benign for Baraitser-winter syndrome 2. Last evaluated: 2021-12-05. Review status: criteria provided, single submitter. Criteria: ACMG Guidelines, 2015. Collection method: clinical testing. Allele origin: germline. Affected: no.

Genome-Nilou Lab
Classification: Benign for Autosomal dominant nonsyndromic hearing loss 20. Last evaluated: 2021-12-05. Review status: criteria provided, single submitter. Criteria: ACMG Guidelines, 2015. Collection method: clinical testing. Allele origin: germline. Affected: no.

GeneDx
Classification: Benign. Last evaluated: 2018-03-30. Review status: criteria provided, single submitter. Criteria: GeneDx Variant Classification (06012015). Collection method: clinical testing. Allele origin: germline. Affected: yes.
Comment: This variant is considered likely benign or benign based on one or more of the following criteria: it is a conservative change, it occurs at a poorly conserved position in the protein, it is predicted to be benign by multiple in silico algorithms, and/or has population frequency not consistent with disease.

Laboratory for Molecular Medicine, Mass General Brigham Personalized Medicine
Classification: Benign. Last evaluated: 2017-08-23. Review status: criteria provided, single submitter. Criteria: LMM Criteria. Collection method: clinical testing. Allele origin: germline. Observed: 1 variant allele.
Comment: p.Ala231Ala in exon 4 of ACTG1: This variant is not expected to have clinical si gnificance because it does not alter an amino acid residue, is not located withi n the splice consensus sequence, and has been identified in 0.95% (157/16510) of South Asian chromosomes by the Exome Aggregation Consortium (ExAC.; dbSNP rs534061526).

Eurofins Ntd Llc (ga)
Classification: Benign. Last evaluated: 2015-06-23. Review status: criteria provided, single submitter. Criteria: EGL Classification Definitions 2015. Collection method: clinical testing. Allele origin: germline. Observed: 1 variant allele, 1 heterozygote.

NM_001614.5(ACTG1):c.693A>G (p.Ala231=)

Gene: ACTG1 (actin gamma 1; minus strand). Cytogenetic location: 17q25.3.
Variant type: single nucleotide variant.
Coding change: c.693A>G on transcript NM_001614.5 (MANE Select); coding-DNA position 693, A replaced by G.
Protein change: p.Ala231=; no amino-acid change (alanine 231 retained).
Molecular consequence: synonymous variant. On other transcripts: non-coding transcript variant (1).
Genome position (GRCh38, 1-based): chr17:81,511,297, T>C on the plus strand (A>G on the coding strand, the complement: ACTG1 is on the minus strand). VCF-style: chr17-81511297-T-C. GRCh37 (hg19) VCF-style: chr17-79478323-T-C.
Other names: c.693A>G, p.Ala231= (NM_001199954.3).
Identifiers: ClinVar variation 281455 (VCV000281455.40), dbSNP rs534061526, ClinGen allele CA8836016.